The following is an entry in ClinVar:

NM_152383.5(DIS3L2):c.1552C>T (p.Pro518Ser)

Gene: DIS3L2 (DIS3 like 3'-5' exoribonuclease 2; plus strand). Cytogenetic location: 2q37.1.
Variant type: single nucleotide variant.
Coding change: c.1552C>T on transcript NM_152383.5 (MANE Select); coding-DNA position 1552, C replaced by T.
Protein change: p.Pro518Ser; replaces proline 518 with serine.
Molecular consequence: missense variant. On other transcripts: non-coding transcript variant (2).
Genome position (GRCh38, 1-based): chr2:232,263,333, C>T. VCF-style: chr2-232263333-C-T. GRCh37 (hg19) VCF-style: chr2-233128043-C-T.
Other names: c.1552C>T, p.Pro518Ser (NM_001257281.2); short protein forms P518S.
Identifiers: ClinVar variation 2067889 (VCV002067889.4), dbSNP rs1693768652, ClinGen allele CA350975509.

ClinVar aggregate classification (germline): Uncertain significance (1 of 4 stars; one submission).

Conditions:
Perlman syndrome (PRLMNS). Identifiers: Orphanet 2849, MedGen C0796113, MONDO:0009965, OMIM 267000.

Allele frequency attached by ClinVar (database versions not stated): TOPMed below 0.00001.

Submission:

Labcorp Genetics (formerly Invitae), Labcorp
Classification: Uncertain significance for Perlman syndrome. Last evaluated: 2025-06-02. Review status: criteria provided, single submitter. Criteria: Invitae Variant Classification Sherloc (09022015). Collection method: clinical testing. Allele origin: germline.
Comment: This sequence change replaces proline, which is neutral and non-polar, with serine, which is neutral and polar, at codon 518 of the DIS3L2 protein (p.Pro518Ser). This variant is not present in population databases (gnomAD no frequency). This variant has not been reported in the literature in individuals affected with DIS3L2-related conditions. ClinVar contains an entry for this variant (Variation ID: 2067889). An algorithm developed to predict the effect of missense changes on protein structure and function (PolyPhen-2) suggests that this variant is likely to be tolerated. In summary, the available evidence is currently insufficient to determine the role of this variant in disease. Therefore, it has been classified as a Variant of Uncertain Significance.